The following is an entry in ClinVar:

NM_032581.4(HYCC1):c.*858T>A

Gene: HYCC1 (hyccin PI4KA lipid kinase complex subunit 1; minus strand). Cytogenetic location: 7p15.3.
Variant type: single nucleotide variant.
Coding change: c.*858T>A on transcript NM_032581.4 (MANE Select); 858 bases downstream of the stop codon, T replaced by A.
Molecular consequence: 3 prime UTR variant.
Genome position (GRCh38, 1-based): chr7:22,944,731, A>T on the plus strand (T>A on the coding strand, the complement: HYCC1 is on the minus strand). VCF-style: chr7-22944731-A-T. GRCh37 (hg19) VCF-style: chr7-22984350-A-T.
Other names: c.*1460T>A (NM_001363466.2); c.*1418T>A (NM_001363467.2).
Identifiers: ClinVar variation 359753 (VCV000359753.5), dbSNP rs115040380, ClinGen allele CA10628917.

ClinVar aggregate classification (germline): Benign (1 of 4 stars; one submission).

Conditions:
Hypomyelination and Congenital Cataract (HLD5). Also called: hypomyelinating leukodystrophy 5. Identifiers: Orphanet 85163, MedGen C1864663, MONDO:0012514, OMIM 610532.

Allele frequency attached by ClinVar (database versions not stated): 1000 Genomes Project 0.01518; 1000 Genomes Project 30x 0.01562; gnomAD 0.01601 and 0.01735; TOPMed 0.01835.

Submission:

Illumina Laboratory Services, Illumina
Classification: Benign for Hypomyelination and Congenital Cataract. Last evaluated: 2018-01-13. Review status: criteria provided, single submitter. Criteria: ICSL Variant Classification Criteria 13 December 2019. Collection method: clinical testing. Allele origin: germline.
Comment: This variant was observed in the ICSL laboratory as part of a predisposition screen in an ostensibly healthy population. It had not been previously curated by ICSL or reported in the Human Gene Mutation Database (HGMD: prior to June 1st, 2018), and was therefore a candidate for classification through an automated scoring system. Utilizing variant allele frequency, disease prevalence and penetrance estimates, and inheritance mode, an automated score was calculated to assess if this variant is too frequent to cause the disease. Based on the score and internal cut-off values, a variant classified as benign is not then subjected to further curation. The score for this variant resulted in a classification of benign for this disease.